The following is an entry in ClinVar:

NM_006182.4(DDR2):c.351G>A (p.Met117Ile)

Gene: DDR2 (discoidin domain receptor tyrosine kinase 2; plus strand). Cytogenetic location: 1q23.3.
Variant type: single nucleotide variant.
Coding change: c.351G>A on transcript NM_006182.4 (MANE Select); coding-DNA position 351, G replaced by A.
Protein change: p.Met117Ile; replaces methionine 117 with isoleucine.
Molecular consequence: missense variant.
Genome position (GRCh38, 1-based): chr1:162,754,789, G>A. VCF-style: chr1-162754789-G-A. GRCh37 (hg19) VCF-style: chr1-162724579-G-A.
Other names: c.351G>A, p.Met117Ile (NM_001014796.3, NM_001354982.2, NM_001354983.2); short protein forms M117I.
Identifiers: ClinVar variation 4994014 (VCV004994014.1).

ClinVar aggregate classification (germline): Uncertain significance (1 of 4 stars; one submission).

Conditions:
DDR2-related disorder. Also called: DDR2-related condition.

Submission:

PreventionGenetics, part of Exact Sciences
Classification: Uncertain significance for DDR2-related condition. Last evaluated: 2026-01-13. Review status: criteria provided, single submitter. Criteria: ACMG Guidelines, 2015. Collection method: clinical testing. Allele origin: germline.
Comment: The DDR2 c.351G>A variant is predicted to result in the amino acid substitution p.Met117Ile. To our knowledge, this variant has not been reported in the literature or in a large population database (gnomAD), indicating this variant is rare. At this time, the clinical significance of this variant is uncertain due to the absence of conclusive functional and genetic evidence.